The following is an entry in ClinVar:

NM_000180.4(GUCY2D):c.340G>A (p.Val114Met)

Gene: GUCY2D (guanylate cyclase 2D, retinal; plus strand). Cytogenetic location: 17p13.1.
Variant type: single nucleotide variant.
Coding change: c.340G>A on transcript NM_000180.4 (MANE Select); coding-DNA position 340, G replaced by A.
Protein change: p.Val114Met; replaces valine 114 with methionine.
Molecular consequence: missense variant.
Genome position (GRCh38, 1-based): chr17:8,003,387, G>A. VCF-style: chr17-8003387-G-A. GRCh37 (hg19) VCF-style: chr17-7906705-G-A.
Other names: short protein forms V114M.
Identifiers: ClinVar variation 3752416 (VCV003752416.3).

ClinVar aggregate classification (germline): Uncertain significance. Review status: criteria provided, multiple submitters, no conflicts (2 of 4 stars). 2 submissions from 2 submitters: Uncertain significance (2). Last evaluated 2024-12-31.

Conditions:
Cone-rod dystrophy 6 (CORD6). Also called: RETINAL CONE DYSTROPHY 2; Cone dystrophy progressive. Identifiers: Orphanet 1872, MedGen C1866293, MONDO:0011143, OMIM 601777.
Leber congenital amaurosis 1 (LCA1). Also called: AMAUROSIS CONGENITA OF LEBER I; Congenital absence of the rods and cones; Leber's congenital tapetoretinal degeneration; Leber's congenital tapetoretinal dysplasia; RETINAL BLINDNESS, CONGENITAL. Identifiers: Orphanet 65, MedGen C2931258, MONDO:0008764, OMIM 204000.

gnomAD v4.1: 7 of 1,473,458 alleles (0.00048%); highest among the groups gnomAD compares: East Asian, 0.015%; no homozygotes.

Submissions (2):

Labcorp Genetics (formerly Invitae), Labcorp
Classification: Uncertain significance for Leber congenital amaurosis 1; Cone-rod dystrophy 6. Last evaluated: 2024-12-31. Review status: criteria provided, single submitter. Criteria: Invitae Variant Classification Sherloc (09022015). Collection method: clinical testing. Allele origin: germline.
Comment: This sequence change replaces valine, which is neutral and non-polar, with methionine, which is neutral and non-polar, at codon 114 of the GUCY2D protein (p.Val114Met). The frequency data for this variant in the population databases is considered unreliable, as metrics indicate poor data quality at this position in the gnomAD database. This missense change has been observed in individual(s) with cone-rod dystrophy (PMID: 23563732). Invitae Evidence Modeling of protein sequence and biophysical properties (such as structural, functional, and spatial information, amino acid conservation, physicochemical variation, residue mobility, and thermodynamic stability) indicates that this missense variant is not expected to disrupt GUCY2D protein function with a negative predictive value of 80%. In summary, the available evidence is currently insufficient to determine the role of this variant in disease. Therefore, it has been classified as a Variant of Uncertain Significance.

Blueprint Genetics
Classification: Uncertain significance. Last evaluated: 2022-10-28. Review status: criteria provided, single submitter. Criteria: ACMG Guidelines, 2015. Collection method: clinical testing. Allele origin: germline.

Literature cited by the submitters: PubMed 23563732 (cited by Labcorp Genetics (formerly Invitae), Labcorp).